The following is an entry in ClinVar:

NM_000138.5(FBN1):c.5896C>T (p.Pro1966Ser)

Gene: FBN1 (fibrillin 1; minus strand). Cytogenetic location: 15q21.1.
Variant type: single nucleotide variant.
Coding change: c.5896C>T on transcript NM_000138.5 (MANE Select); coding-DNA position 5896, C replaced by T.
Protein change: p.Pro1966Ser; replaces proline 1966 with serine.
Molecular consequence: missense variant.
Genome position (GRCh38, 1-based): chr15:48,445,397, G>A on the plus strand (C>T on the coding strand, the complement: FBN1 is on the minus strand). VCF-style: chr15-48445397-G-A. GRCh37 (hg19) VCF-style: chr15-48737594-G-A.
Other names: short protein forms P1966S.
Identifiers: ClinVar variation 1331874 (VCV001331874.2), dbSNP rs2141249124, ClinGen allele CA392339962.
Genomic context (GRCh38, chr15:48,445,397, plus strand): 5'-GAAGCATTCTTTCCAGGTCTTTCTAAGTCCTGTACTTACCCACACAGGTCCTCCCATCTG[G>A]AGCCACCTCATAGCCTTCATTGCACTGGCACTGGAAAGACCCCACTGTATTAATGCATTG-3'
Protein context (NP_000129.3, residues 1956-1976): CQCNEGYEVA[Pro1966Ser]DGRTCVDINE

ClinVar aggregate classification (germline): Uncertain significance (1 of 4 stars; one submission).

Conditions:
Familial thoracic aortic aneurysm and aortic dissection (TAAD). Also called: Thoracic aortic aneurysms and dissections. Identifiers: Orphanet 91387, MedGen C4707243, MONDO:0019625.

Allele frequency attached by ClinVar (database versions not stated): gnomAD exomes below 0.00001.
gnomAD v4.1: 3 of 1,612,522 alleles (0.00019%); highest among the groups gnomAD compares: Non-Finnish European, 0.00025%; no homozygotes.

Submission:

Color Diagnostics, LLC DBA Color Health
Classification: Uncertain significance for Familial thoracic aortic aneurysm and aortic dissection. Last evaluated: 2021-03-09. Review status: criteria provided, single submitter. Criteria: ACMG Guidelines, 2015. Collection method: clinical testing. Allele origin: germline.
Comment: This missense variant replaces proline with serine at codon 1966 of the FBN1 protein. Computational prediction suggests that this variant may not impact protein structure and function (internally defined REVEL score threshold <= 0.5, PMID: 27666373). To our knowledge, functional studies have not been reported for this variant. This variant has not been reported in individuals affected with cardiovascular disorders in the literature. This variant has not been identified in the general population by the Genome Aggregation Database (gnomAD). The available evidence is insufficient to determine the role of this variant in disease conclusively. Therefore, this variant is classified as a Variant of Uncertain Significance.